The following is an entry in ClinVar:

NM_015102.5(NPHP4):c.3996+4T>C

Gene: NPHP4 (nephrocystin 4; minus strand). Cytogenetic location: 1p36.31.
Variant type: single nucleotide variant.
Coding change: c.3996+4T>C on transcript NM_015102.5 (MANE Select); 4 bases into the intron after coding-DNA position 3996, T replaced by C.
Molecular consequence: intron variant.
Genome position (GRCh38, 1-based): chr1:5,864,334, A>G on the plus strand (T>C on the coding strand, the complement: NPHP4 is on the minus strand). VCF-style: chr1-5864334-A-G. GRCh37 (hg19) VCF-style: chr1-5924394-A-G.
Other names: c.2460+4T>C (NM_001291594.2); c.2457+4T>C (NM_001291593.2).
Identifiers: ClinVar variation 1989340 (VCV001989340.4), dbSNP rs1483209349, ClinGen allele CA2574188355.
Genomic context (GRCh38, chr1:5,864,334, plus strand): 5'-GGTCCTGCAGTGCCCTGGTATTGAGCCCCCATCCCCTCAGCCTGTGCCTGCCACACATAC[A>G]GACCTTGGAGATGAGCGGCTGGCGGCAGCAGAGGCACACGAGCCAGGAGGCCACCAGCTG-3'

ClinVar aggregate classification (germline): Uncertain significance (1 of 4 stars; one submission).

Conditions:
Nephronophthisis. Also called: Juvenile Nephronophthisis. Identifiers: Orphanet 655, MedGen C0687120, MONDO:0019005, HP:0000090.

gnomAD v4.1: 11 of 1,601,630 alleles (0.00069%); highest among the groups gnomAD compares: Non-Finnish European, 0.00094%; no homozygotes.

Submission:

Labcorp Genetics (formerly Invitae), Labcorp
Classification: Uncertain significance for Nephronophthisis. Last evaluated: 2024-03-11. Review status: criteria provided, single submitter. Criteria: Invitae Variant Classification Sherloc (09022015). Collection method: clinical testing. Allele origin: germline.
Comment: This sequence change falls in intron 28 of the NPHP4 gene. It does not directly change the encoded amino acid sequence of the NPHP4 protein. It affects a nucleotide within the consensus splice site. This variant is not present in population databases (gnomAD no frequency). This variant has not been reported in the literature in individuals affected with NPHP4-related conditions. ClinVar contains an entry for this variant (Variation ID: 1989340). Variants that disrupt the consensus splice site are a relatively common cause of aberrant splicing (PMID: 17576681, 9536098). Algorithms developed to predict the effect of sequence changes on RNA splicing suggest that this variant is not likely to affect RNA splicing. In summary, the available evidence is currently insufficient to determine the role of this variant in disease. Therefore, it has been classified as a Variant of Uncertain Significance.

Literature cited by the submitters: PubMed 17576681; PubMed 9536098.